The following is an entry in ClinVar:

NM_001365999.1(SZT2):c.7743-6C>G

Gene: SZT2 (SZT2 subunit of KICSTOR complex; plus strand). Cytogenetic location: 1p34.2.
Variant type: single nucleotide variant.
Coding change: c.7743-6C>G on transcript NM_001365999.1 (MANE Select); 6 bases into the intron before coding-DNA position 7743, C replaced by G.
Molecular consequence: intron variant.
Genome position (GRCh38, 1-based): chr1:43,441,994, C>G. VCF-style: chr1-43441994-C-G. GRCh37 (hg19) VCF-style: chr1-43907665-C-G.
Other names: c.7572-6C>G (NM_015284.4).
Identifiers: ClinVar variation 4982399 (VCV004982399.1).
Genomic context (GRCh38, chr1:43,441,994, plus strand): 5'-GAGGTGAAGGCTAGGCCAGGGAGTGGTGTCATGGATGGCCTTTCTGTCTGTCCTCCCTTT[C>G]AATAGGGGTTCAGAGCCAGAGATCTTCGGCCCTTGTTCCCCTGGGCAACTGGGCCCCTCT-3'

ClinVar aggregate classification (germline): Likely benign (1 of 4 stars; one submission).

Conditions:
SZT2-related disorder. Also called: SZT2-related condition.

Submission:

PreventionGenetics, part of Exact Sciences
Classification: Likely benign for SZT2-related condition. Last evaluated: 2026-02-06. Review status: criteria provided, single submitter. Criteria: ACMG Guidelines, 2015. Collection method: clinical testing. Allele origin: germline.
Comment: This variant is classified as likely benign based on ACMG/AMP sequence variant interpretation guidelines (Richards et al. 2015 PMID: 25741868, with internal and published modifications).